The following is an entry in ClinVar:

ClinVar aggregate classification (germline): Conflicting classifications of pathogenicity. Review status: criteria provided, conflicting classifications (1 of 4 stars). 3 submissions from 3 submitters: Uncertain significance (2); Likely benign (1). Last evaluated 2025-11-03.

Conditions:
Wilms tumor 1 (WT1). Also called: Wilms tumor, somatic. Identifiers: Orphanet 654, MedGen CN033288, MONDO:0008679, OMIM 194070.
Drash syndrome (DDS). Also called: NEPHROPATHY, WILMS TUMOR, AND GENITAL ANOMALIES; WILMS TUMOR AND PSEUDO- OR TRUE HERMAPHRODITISM. Identifiers: Orphanet 220, MedGen C0950121, MONDO:0008682, OMIM 194080.
11p partial monosomy syndrome (WAGR). Also called: WAGR Spectrum Disorder; CHROMOSOME 11p13 DELETION SYNDROME; WAGR syndrome; WAGR Complex. Identifiers: Orphanet 893, MedGen C0206115, MONDO:0008681, OMIM 194072.
Frasier syndrome. Identifiers: Orphanet 347, MedGen C0950122, MeSH D052159, MONDO:0007635, OMIM 136680.
Inborn genetic diseases. Identifiers: MedGen C0950123, MeSH D030342.

Allele frequency attached by ClinVar (database versions not stated): TOPMed below 0.00001; gnomAD 0.00001.

Submissions (3):

Labcorp Genetics (formerly Invitae), Labcorp
Classification: Likely benign for Wilms tumor 1; Drash syndrome; 11p partial monosomy syndrome; Frasier syndrome. Last evaluated: 2025-11-03. Review status: criteria provided, single submitter. Criteria: Invitae Variant Classification Sherloc (09022015). Collection method: clinical testing. Allele origin: germline.

Ambry Genetics
Classification: Uncertain significance for Inborn genetic diseases. Last evaluated: 2025-10-30. Review status: criteria provided, single submitter. Criteria: Ambry Variant Classification Scheme 2023. Collection method: clinical testing. Allele origin: germline.
Comment: The c.951-4delC intronic variant is located 4 nucleotide(s) before coding exon 5 of the WT1 gene. This variant results from a deletion of one nucleotide at position c.951-4. This nucleotide position is highly conserved in available vertebrate species. In silico splice site analysis predicts that this alteration may weaken the native splice acceptor site. Based on the available evidence, the clinical significance of this variant remains unclear.

Color Diagnostics, LLC DBA Color Health
Classification: Uncertain significance for Wilms tumor 1. Last evaluated: 2025-06-29. Review status: criteria provided, single submitter. Criteria: ACMG Guidelines, 2015. Collection method: clinical testing. Allele origin: germline.
Comment: This variant deletes 1 base in the intron 4 acceptor site in the WT1 gene. A splicing prediction tool suggests that this variant may impact splicing (PMID: 30661751). To our knowledge, the RNA splicing prediction nor the functional impact of this variant has not been tested in published studies. This variant has not been reported in individuals affected with WT1-related disorders in the literature. This variant has not been identified in the general population by the Genome Aggregation Database (gnomAD). The available evidence is insufficient to determine the role of this variant in disease conclusively. Therefore, this variant is classified as a Variant of Uncertain Significance.

Literature cited by the submitters: PubMed 30661751 (cited by Color Diagnostics, LLC DBA Color Health).

NM_024426.6(WT1):c.966-4del

Gene: WT1 (WT1 transcription factor; minus strand). Cytogenetic location: 11p13.
Variant type: Deletion.
Coding change: c.966-4del on transcript NM_024426.6 (MANE Select); 4 bases into the intron before coding-DNA position 966, one base deleted (C; older notation c.966-4delC).
Molecular consequence: intron variant.
Genome position (GRCh38, 1-based): chr11:32,416,544, G deleted on the plus strand (C on the coding strand, the reverse complement: WT1 is on the minus strand). VCF-style (leftmost placement, unchanged base first): chr11-32416543-AG-A. GRCh37 (hg19) VCF-style: chr11-32438089-AG-A.
Other names: c.951-4delC (NM_024426.4); c.842+1033del (NM_001407050.1); c.843-4del (NM_001407047.1); c.965+1033del (NM_001407048.1, NM_001407049.1, NM_000378.6 and 1 more transcripts); c.966-4del (NM_001407044.1, NM_001407046.1, NM_024424.5); c.204-4del (NM_001407051.1); c.314+1033del (NM_001198552.2); c.315-4del (NM_001198551.2); and 1 more.
Identifiers: ClinVar variation 476724 (VCV000476724.14), dbSNP rs1438888966, ClinGen allele CA658658043.